The following is an entry in ClinVar:

NM_001077653.2(TBX20):c.127+5G>A

Gene: TBX20 (T-box transcription factor 20; minus strand). Cytogenetic location: 7p14.2.
Variant type: single nucleotide variant.
Coding change: c.127+5G>A on transcript NM_001077653.2 (MANE Select); 5 bases into the intron after coding-DNA position 127, G replaced by A.
Molecular consequence: intron variant.
Genome position (GRCh38, 1-based): chr7:35,253,489, C>T on the plus strand (G>A on the coding strand, the complement: TBX20 is on the minus strand). VCF-style: chr7-35253489-C-T. GRCh37 (hg19) VCF-style: chr7-35293100-C-T.
Other names: c.127+5G>A (NM_001166220.1).
Identifiers: ClinVar variation 2585859 (VCV002585859.2), dbSNP rs2546999388, ClinGen allele CA2582341725.

ClinVar aggregate classification (germline): Uncertain significance (1 of 4 stars; one submission).

Conditions:
Cardiovascular phenotype. Identifiers: MedGen CN230736.

Submission:

Ambry Genetics
Classification: Uncertain significance for Cardiovascular phenotype. Last evaluated: 2023-06-30. Review status: criteria provided, single submitter. Criteria: Ambry Variant Classification Scheme 2023. Collection method: clinical testing. Allele origin: germline.
Comment: The c.127+5G>A intronic variant results from a G to A substitution 5 nucleotides after coding exon 1 in the TBX20 gene. This nucleotide position is highly conserved in available vertebrate species. In silico splice site analysis predicts that this alteration will not have any significant effect on splicing. Since supporting evidence is limited at this time, the clinical significance of this alteration remains unclear.